The following is an entry in ClinVar:

NM_005559.4(LAMA1):c.7764G>C (p.Leu2588Phe)

Genes: LAMA1 (laminin subunit alpha 1; minus strand), LOC126862685 (BRD4-independent group 4 enhancer GRCh37_chr18:6958646-6959845; plus strand). Cytogenetic location: 18p11.31.
Variant type: single nucleotide variant.
Coding change: c.7764G>C on transcript NM_005559.4 (MANE Select); coding-DNA position 7764, G replaced by C.
Protein change: p.Leu2588Phe; replaces leucine 2588 with phenylalanine.
Molecular consequence: missense variant.
Genome position (GRCh38, 1-based): chr18:6,959,355, C>G on the plus strand (G>C on the coding strand, the complement: LAMA1 is on the minus strand). VCF-style: chr18-6959355-C-G. GRCh37 (hg19) VCF-style: chr18-6959354-C-G.
Other names: short protein forms L2588F.
Identifiers: ClinVar variation 2056423 (VCV002056423.4), dbSNP rs577056597, ClinGen allele CA401844033.
Genomic context (GRCh38, chr18:6,959,355, plus strand): 5'-AGCTCACCACACCTTCATTACACACTGCCTGGCCGCGTGCAAGTACCTCCGATTCCTGAC[C>G]AAGGAGATGGAATGCGCTTGTCCATCACTGCAGGTACCCGTGGGAGCGTGCAGGAGAGCT-3'
Protein context (NP_005550.2, residues 2578-2598): CSDGQAHSIS[Leu2588Phe]VRNRRIITVQ

ClinVar aggregate classification (germline): Uncertain significance (1 of 4 stars; one submission).

Submission:

Labcorp Genetics (formerly Invitae), Labcorp
Classification: Uncertain significance. Last evaluated: 2023-04-24. Review status: criteria provided, single submitter. Criteria: Invitae Variant Classification Sherloc (09022015). Collection method: clinical testing. Allele origin: germline.
Comment: ClinVar contains an entry for this variant (Variation ID: 2056423). In summary, the available evidence is currently insufficient to determine the role of this variant in disease. Therefore, it has been classified as a Variant of Uncertain Significance. Algorithms developed to predict the effect of sequence changes on RNA splicing suggest that this variant may create or strengthen a splice site. Advanced modeling of protein sequence and biophysical properties (such as structural, functional, and spatial information, amino acid conservation, physicochemical variation, residue mobility, and thermodynamic stability) has been performed at Invitae for this missense variant, however the output from this modeling did not meet the statistical confidence thresholds required to predict the impact of this variant on LAMA1 protein function. This variant has not been reported in the literature in individuals affected with LAMA1-related conditions. This variant is not present in population databases (gnomAD no frequency). This sequence change replaces leucine, which is neutral and non-polar, with phenylalanine, which is neutral and non-polar, at codon 2588 of the LAMA1 protein (p.Leu2588Phe).